The following is an entry in ClinVar:

ClinVar aggregate classification (germline): Pathogenic. Review status: reviewed by expert panel (3 of 4 stars). 2 submissions from 2 submitters: Pathogenic (1). 1 of the submissions does not count toward it. Last evaluated 2023-08-29.

Conditions:
CDH1-related diffuse gastric and lobular breast cancer syndrome. Also called: CDH1-related diffuse gastric and lobular breast cancer. Identifiers: MedGen CN311521, MONDO:0100488.
Hereditary cancer-predisposing syndrome. Also called: Neoplastic Syndromes, Hereditary; Tumor predisposition; Hereditary Cancer Syndrome; Hereditary neoplastic syndrome. Identifiers: Orphanet 140162, MedGen C0027672, MeSH D009386, MONDO:0015356.

Submissions (2):

Clingen Gastric Cancer Variant Curation Expert Panel
Classification: Pathogenic for CDH1-related diffuse gastric and lobular breast cancer syndrome. Last evaluated: 2023-08-29. Review status: reviewed by expert panel. Criteria: ClinGen CDH1 ACMG Specifications V3.1. Collection method: curation. Allele origin: germline. Inheritance: Autosomal dominant inheritance.
Comment: The c.1137+1delG is a canonical splice variant and cDNA sequencing shows use of cryptic splice site leading to a frameshift (PVS1, PM5_Supporting). This variant is absent in the gnomAD cohort (PM2_Supporting). This variant has been reported in one family meeting HDGC criteria (PS4_Supporting, SCV000275921.4). Therefore, this variant meets criteria to be classified as pathogenic based on the ACMG/AMP criteria applied as specified by the CDH1 Variant Curation Expert Panel (Variant Interpretation Guidelines Version 3.1): PVS1, PM2_Supporting, PS4_Supporting, PM5_Supporting.

Ambry Genetics
Classification: Pathogenic for Hereditary cancer-predisposing syndrome. Last evaluated: 2017-10-05. Review status: criteria provided, single submitter. Criteria: Ambry Variant Classification Scheme 2023. Collection method: clinical testing. Allele origin: germline. Not counted in ClinVar's aggregate classification.
Comment: The c.1137+1delG intronic pathogenic mutation results from a deletion of the nucleotide (G), one nucleotide after coding exon 8 of the CDH1 gene. Using the BDGP and ESEfinder splice site prediction tools, this alteration is predicted to abolish the native splice donor site. This prediction was supported by internal RNA studies demonstrating abnormal splicing in the set of samples tested (Ambry internal data). Another alteration affecting the same splice donor site (CDH1 c.1137G>A) has been observed in multiple HDGC families (Lynch HT et al. Fam Cancer. 2011 Dec;10(4):667-72; More H et al. Hum Mutat. 2007 Feb;28(2):203; Kaurah P et al. JAMA 2007 Jun; 297(21):2360-72; Pantelis D et al. Int J Colorectal Dis, 2016 Dec;31:1825-1833) and has been shown to cause abnormal splicing (Karam R et al. Oncogene. 2008 Jul 10;27(30):4255-60). Alterations that disrupt the canonical splice site are expected to cause aberrant splicing, resulting in an abnormal protein or a transcript that is subject to nonsense-mediated mRNA decay. As such, this alteration is classified as a disease-causing mutation.

NM_004360.5(CDH1):c.1137+1del

Gene: CDH1 (cadherin 1; plus strand). Cytogenetic location: 16q22.1.
Variant type: Deletion.
Coding change: c.1137+1del on transcript NM_004360.5 (MANE Select); the canonical splice donor site of the intron after coding-DNA position 1137, one base deleted (G; older notation c.1137+1delG).
Molecular consequence: splice donor variant.
Genome position (GRCh38, 1-based): chr16:68,812,264, G deleted; the last of 2 consecutive G bases (chr16:68,812,263-68,812,264); deleting either gives the same sequence. VCF-style (leftmost placement, unchanged base first): chr16-68812262-CG-C. GRCh37 (hg19) VCF-style: chr16-68846165-CG-C.
Other names: c.-479+1del (NM_001317185.2); c.-683+1del (NM_001317186.2); c.1137+1del (NM_001317184.2).
Identifiers: ClinVar variation 231923 (VCV000231923.6), dbSNP rs876659446, ClinGen allele CA10580105.